The following is an entry in ClinVar:

NM_021930.6(RINT1):c.445A>T (p.Ile149Phe)

Gene: RINT1 (RAD50 interactor 1; plus strand). Cytogenetic location: 7q22.3.
Variant type: single nucleotide variant.
Coding change: c.445A>T on transcript NM_021930.6 (MANE Select); coding-DNA position 445, A replaced by T.
Protein change: p.Ile149Phe; replaces isoleucine 149 with phenylalanine.
Molecular consequence: missense variant. On other transcripts: 5 prime UTR variant (3), non-coding transcript variant (1).
Genome position (GRCh38, 1-based): chr7:105,542,579, A>T. VCF-style: chr7-105542579-A-T. GRCh37 (hg19) VCF-style: chr7-105183026-A-T.
Other names: c.211A>T, p.Ile71Phe (NM_001346599.2); c.-575A>T (NM_001346600.2); c.-478A>T (NM_001346601.2); c.-98A>T (NM_001346603.2); short protein forms I149F, I71F.
Identifiers: ClinVar variation 1740755 (VCV001740755.2), dbSNP rs2485112943, ClinGen allele CA368803695.
Genomic context (GRCh38, chr7:105,542,579, plus strand): 5'-AGCGCCATTAACAGCCATTTGCTGACTGCGCAACCTTGGATGGACGATCTTGGAACCATG[A>T]TTAGCCAGATTGAAGAGATCGAACGTCATCTTGCTTACCTTAAATGGATTTCACAAATTG-3'
Protein context (NP_068749.3, residues 139-159): QPWMDDLGTM[Ile149Phe]SQIEEIERHL

ClinVar aggregate classification (germline): Uncertain significance (1 of 4 stars; one submission).

Submission:

Ambry Genetics
Classification: Uncertain significance. Last evaluated: 2022-09-17. Review status: criteria provided, single submitter. Criteria: Ambry Variant Classification Scheme 2023. Collection method: clinical testing. Allele origin: germline.
Comment: The p.I149F variant (also known as c.445A>T), located in coding exon 4 of the RINT1 gene, results from an A to T substitution at nucleotide position 445. The isoleucine at codon 149 is replaced by phenylalanine, an amino acid with highly similar properties. This amino acid position is conserved. In addition, this alteration is predicted to be tolerated by in silico analysis. Since supporting evidence is limited at this time, the clinical significance of this alteration remains unclear.